The following is an entry in ClinVar:

ClinVar aggregate classification (germline): Uncertain significance. Review status: criteria provided, multiple submitters, no conflicts (2 of 4 stars). 2 submissions from 2 submitters: Uncertain significance (2). Last evaluated 2022-07-08.

Allele frequency attached by ClinVar (database versions not stated): TOPMed 0.00001; ExAC 0.00002; gnomAD exomes 0.00002.

Submissions (2):

GeneDx
Classification: Uncertain significance. Last evaluated: 2022-07-08. Review status: criteria provided, single submitter. Criteria: GeneDx Variant Classification Process June 2021. Collection method: clinical testing. Allele origin: germline. Affected: yes.
Comment: In silico analysis supports that this missense variant does not alter protein structure/function; Has not been previously published as pathogenic or benign to our knowledge

Labcorp Genetics (formerly Invitae), Labcorp
Classification: Uncertain significance. Last evaluated: 2021-07-04. Review status: criteria provided, single submitter. Criteria: Invitae Variant Classification Sherloc (09022015). Collection method: clinical testing. Allele origin: germline.
Comment: In summary, the available evidence is currently insufficient to determine the role of this variant in disease. Therefore, it has been classified as a Variant of Uncertain Significance. Algorithms developed to predict the effect of missense changes on protein structure and function are either unavailable or do not agree on the potential impact of this missense change (SIFT: "Deleterious"; PolyPhen-2: "Benign"; Align-GVGD: "Class C0"). This variant has not been reported in the literature in individuals affected with SYT2-related conditions. This variant is present in population databases (rs762858188, ExAC 0.02%). This sequence change replaces alanine with valine at codon 20 of the SYT2 protein (p.Ala20Val). The alanine residue is moderately conserved and there is a small physicochemical difference between alanine and valine.

NM_177402.5(SYT2):c.59C>T (p.Ala20Val)

Gene: SYT2 (synaptotagmin 2; minus strand). Cytogenetic location: 1q32.1.
Variant type: single nucleotide variant.
Coding change: c.59C>T on transcript NM_177402.5 (MANE Select); coding-DNA position 59, C replaced by T.
Protein change: p.Ala20Val; replaces alanine 20 with valine.
Molecular consequence: missense variant.
Genome position (GRCh38, 1-based): chr1:202,605,714, G>A on the plus strand (C>T on the coding strand, the complement: SYT2 is on the minus strand). VCF-style: chr1-202605714-G-A. GRCh37 (hg19) VCF-style: chr1-202574842-G-A.
Other names: c.59C>T, p.Ala20Val (NM_001136504.1); short protein forms A20V.
Identifiers: ClinVar variation 1506714 (VCV001506714.9), dbSNP rs762858188, ClinGen allele CA1333873.